The following is an entry in ClinVar:

ClinVar aggregate classification (germline): Uncertain significance (1 of 4 stars; one submission).

Conditions:
Combined immunodeficiency due to DOCK8 deficiency (HIES2). Also called: HIES autosomal recessive; DOCK8 Deficiency; Hyper-IgE recurrent infection syndrome, autosomal recessive; HYPER-IgE RECURRENT INFECTION SYNDROME 2, AUTOSOMAL RECESSIVE; HYPER-IgE SYNDROME 2, AUTOSOMAL RECESSIVE, WITH RECURRENT INFECTIONS. Identifiers: Orphanet 217390, MedGen C4722305, MONDO:0009478, OMIM 243700.

Allele frequency attached by ClinVar (database versions not stated): gnomAD exomes below 0.00001; ExAC 0.00001.

Submission:

Labcorp Genetics (formerly Invitae), Labcorp
Classification: Uncertain significance for Combined immunodeficiency due to DOCK8 deficiency. Last evaluated: 2024-12-24. Review status: criteria provided, single submitter. Criteria: Invitae Variant Classification Sherloc (09022015). Collection method: clinical testing. Allele origin: germline.
Comment: This sequence change replaces serine, which is neutral and polar, with phenylalanine, which is neutral and non-polar, at codon 1128 of the DOCK8 protein (p.Ser1128Phe). This variant is present in population databases (rs751374063, gnomAD 0.006%). This variant has not been reported in the literature in individuals affected with DOCK8-related conditions. ClinVar contains an entry for this variant (Variation ID: 861956). Invitae Evidence Modeling of protein sequence and biophysical properties (such as structural, functional, and spatial information, amino acid conservation, physicochemical variation, residue mobility, and thermodynamic stability) has been performed for this missense variant. However, the output from this modeling did not meet the statistical confidence thresholds required to predict the impact of this variant on DOCK8 protein function. In summary, the available evidence is currently insufficient to determine the role of this variant in disease. Therefore, it has been classified as a Variant of Uncertain Significance.

NM_203447.4(DOCK8):c.3383C>T (p.Ser1128Phe)

Gene: DOCK8 (dedicator of cytokinesis 8; plus strand). Cytogenetic location: 9p24.3.
Variant type: single nucleotide variant.
Coding change: c.3383C>T on transcript NM_203447.4 (MANE Select); coding-DNA position 3383, C replaced by T.
Protein change: p.Ser1128Phe; replaces serine 1128 with phenylalanine.
Molecular consequence: missense variant.
Genome position (GRCh38, 1-based): chr9:405,066, C>T. VCF-style: chr9-405066-C-T. GRCh37 (hg19) VCF-style: chr9-405066-C-T.
Other names: c.3083C>T, p.Ser1028Phe (NM_001190458.2); c.3179C>T, p.Ser1060Phe (NM_001193536.2); short protein forms S1060F, S1128F, S1028F.
Identifiers: ClinVar variation 861956 (VCV000861956.14), dbSNP rs751374063, ClinGen allele CA4958654.